The following is an entry in ClinVar:

ClinVar aggregate classification (germline): Uncertain significance (1 of 4 stars; one submission).

Conditions:
Inborn genetic diseases. Identifiers: MedGen C0950123, MeSH D030342.

Submission:

Ambry Genetics
Classification: Uncertain significance for Inborn genetic diseases. Last evaluated: 2025-12-13. Review status: criteria provided, single submitter. Criteria: Ambry Variant Classification Scheme 2023. Collection method: clinical testing. Allele origin: germline.
Comment: The p.M138L variant (also known as c.412A>T), located in coding exon 5 of the BUB1B gene, results from an A to T substitution at nucleotide position 412. The methionine at codon 138 is replaced by leucine, an amino acid with highly similar properties. This amino acid position is conserved. In addition, this alteration is predicted to be tolerated by in silico analysis. Based on the available evidence, the clinical significance of this variant remains unclear.

NM_001211.6(BUB1B):c.412A>T (p.Met138Leu)

Gene: BUB1B (BUB1 mitotic checkpoint serine/threonine kinase B; plus strand). Cytogenetic location: 15q15.1.
Variant type: single nucleotide variant.
Coding change: c.412A>T on transcript NM_001211.6 (MANE Select); coding-DNA position 412, A replaced by T.
Protein change: p.Met138Leu; replaces methionine 138 with leucine.
Molecular consequence: missense variant.
Genome position (GRCh38, 1-based): chr15:40,176,504, A>T. VCF-style: chr15-40176504-A-T. GRCh37 (hg19) VCF-style: chr15-40468705-A-T.
Other names: short protein forms M138L.
Identifiers: ClinVar variation 4600687 (VCV004600687.1).